The following is an entry in ClinVar:

NM_015158.5(KANK1):c.3911C>T (p.Ala1304Val)

Gene: KANK1 (KN motif and ankyrin repeat domains 1; plus strand). Cytogenetic location: 9p24.3.
Variant type: single nucleotide variant.
Coding change: c.3911C>T on transcript NM_015158.5 (MANE Select); coding-DNA position 3911, C replaced by T.
Protein change: p.Ala1304Val; replaces alanine 1304 with valine.
Molecular consequence: missense variant. On other transcripts: non-coding transcript variant (1).
Genome position (GRCh38, 1-based): chr9:744,504, C>T. VCF-style: chr9-744504-C-T. GRCh37 (hg19) VCF-style: chr9-744504-C-T.
Other names: c.3911C>T, p.Ala1304Val (NM_001256876.3, NM_001256877.3, NM_001354334.2); c.3671C>T, p.Ala1224Val (NM_001354331.2); c.3857C>T, p.Ala1286Val (NM_001354332.2); c.3437C>T, p.Ala1146Val (NM_001354333.2, NM_001354335.2, NM_001354337.2 and 2 more transcripts); c.3143C>T, p.Ala1048Val (NM_001354336.2); c.3383C>T, p.Ala1128Val (NM_001354338.2, NM_001354340.2, NM_001354344.2); c.3197C>T, p.Ala1066Val (NM_001354339.2, NM_001354342.2, NM_001354343.2); short protein forms A1128V, A1224V, A1066V, A1286V, A1304V, A1048V, A1146V.
Identifiers: ClinVar variation 1958565 (VCV001958565.5), dbSNP rs757987657, ClinGen allele CA4961259.

ClinVar aggregate classification (germline): Uncertain significance (1 of 4 stars; one submission).

Allele frequency attached by ClinVar (database versions not stated): TOPMed 0.00002; gnomAD 0.00001; gnomAD exomes 0.00001; ExAC 0.00004.
gnomAD v4.1: 15 of 1,613,814 alleles (0.00093%); highest among the groups gnomAD compares: Admixed American, 0.005%; no homozygotes.

Submission:

Labcorp Genetics (formerly Invitae), Labcorp
Classification: Uncertain significance. Last evaluated: 2025-04-14. Review status: criteria provided, single submitter. Criteria: Invitae Variant Classification Sherloc (09022015). Collection method: clinical testing. Allele origin: germline.
Comment: This sequence change replaces alanine, which is neutral and non-polar, with valine, which is neutral and non-polar, at codon 1304 of the KANK1 protein (p.Ala1304Val). This variant is present in population databases (rs757987657, gnomAD 0.009%). This variant has not been reported in the literature in individuals affected with KANK1-related conditions. ClinVar contains an entry for this variant (Variation ID: 1958565). An algorithm developed to predict the effect of missense changes on protein structure and function (PolyPhen-2) suggests that this variant is likely to be disruptive. In summary, the available evidence is currently insufficient to determine the role of this variant in disease. Therefore, it has been classified as a Variant of Uncertain Significance.